The following is an entry in ClinVar:

ClinVar aggregate classification (germline): Uncertain significance (1 of 4 stars; one submission).

Submission:

Women's Health and Genetics/Laboratory Corporation of America, LabCorp
Classification: Uncertain significance. Last evaluated: 2024-01-12. Review status: criteria provided, single submitter. Criteria: LabCorp Variant Classification Summary - May 2015. Collection method: clinical testing. Allele origin: germline.
Comment: Variant summary: COL4A4 c.4851G>C (p.Met1617Ile) results in a conservative amino acid change located in the Collagen IV, non-collagenous (IPR001442) of the encoded protein sequence. Three of five in-silico tools predict a benign effect of the variant on protein function. The variant was absent in 247944 control chromosomes. The available data on variant occurrences in the general population are insufficient to allow any conclusion about variant significance. To our knowledge, no occurrence of c.4851G>C in individuals affected with Alport Syndrome, Autosomal Recessive and no experimental evidence demonstrating its impact on protein function have been reported. No submitters have cited clinical-significance assessments for this variant to ClinVar. Based on the evidence outlined above, the variant was classified as uncertain significance.

NM_000092.5(COL4A4):c.4851G>C (p.Met1617Ile)

Gene: COL4A4 (collagen type IV alpha 4 chain; minus strand). Cytogenetic location: 2q36.3.
Variant type: single nucleotide variant.
Coding change: c.4851G>C on transcript NM_000092.5 (MANE Select); coding-DNA position 4851, G replaced by C.
Protein change: p.Met1617Ile; replaces methionine 1617 with isoleucine.
Molecular consequence: missense variant.
Genome position (GRCh38, 1-based): chr2:227,007,547, C>G on the plus strand (G>C on the coding strand, the complement: COL4A4 is on the minus strand). VCF-style: chr2-227007547-C-G. GRCh37 (hg19) VCF-style: chr2-227872263-C-G.
Other names: short protein forms M1617I.
Identifiers: ClinVar variation 3063867 (VCV003063867.1), dbSNP rs2472583536, ClinGen allele CA351140330.